The following is an entry in ClinVar:

NM_000548.5(TSC2):c.4662+1G>C

Gene: TSC2 (TSC complex subunit 2; plus strand). Cytogenetic location: 16p13.3.
Variant type: single nucleotide variant.
Coding change: c.4662+1G>C on transcript NM_000548.5 (MANE Select); the canonical splice donor site of the intron after coding-DNA position 4662, G replaced by C.
Molecular consequence: splice donor variant.
Genome position (GRCh38, 1-based): chr16:2,085,323, G>C. VCF-style: chr16-2085323-G-C. GRCh37 (hg19) VCF-style: chr16-2135324-G-C.
Other names: c.3120+1G>C (NM_001406693.1, NM_001406692.1, NM_001406694.1); c.4554+1G>C (NM_001406667.1); c.4551+1G>C (NM_001406668.1); c.4062+1G>C (NM_001406680.1); c.3993+1G>C (NM_001406683.1, NM_001406682.1); c.3861+1G>C (NM_001406687.1, NM_001406688.1); c.3249+1G>C (NM_001406689.1); c.3189+1G>C (NM_001406690.1); and 26 more.
Identifiers: ClinVar variation 858998 (VCV000858998.1), dbSNP rs45514095, ClinGen allele CA394305126.

ClinVar aggregate classification (germline): Likely pathogenic (1 of 4 stars; one submission).

Conditions:
Tuberous sclerosis 2 (TSC2). Identifiers: Orphanet 805, MedGen C1860707, MONDO:0013199, OMIM 613254.

Submission:

Labcorp Genetics (formerly Invitae), Labcorp
Classification: Likely pathogenic for Tuberous sclerosis 2. Last evaluated: 2020-01-06. Review status: criteria provided, single submitter. Criteria: Invitae Variant Classification Sherloc (09022015). Collection method: clinical testing. Allele origin: germline.
Comment: This sequence change affects a donor splice site in intron 36 of the TSC2 gene. It is expected to disrupt RNA splicing and likely results in an absent or disrupted protein product. This variant is not present in population databases (ExAC no frequency). Disruption of this splice site has been observed in individual(s) with clinical features of tuberous sclerosis complex (PMID: 27859028). Algorithms developed to predict the effect of sequence changes on RNA splicing suggest that this variant may disrupt the consensus splice site, but this prediction has not been confirmed by published transcriptional studies. Donor and acceptor splice site variants typically lead to a loss of protein function (PMID: 16199547), and loss-of-function variants in TSC2 are known to be pathogenic (PMID: 10205261, 17304050). In summary, the currently available evidence indicates that the variant is pathogenic, but additional data are needed to prove that conclusively. Therefore, this variant has been classified as Likely Pathogenic.

Literature cited by the submitters: PubMed 10205261; PubMed 17304050; PubMed 27859028.